The following is an entry in ClinVar:

ClinVar aggregate classification (germline): Likely benign (1 of 4 stars; one submission).

Submission:

GeneDx
Classification: Likely benign. Last evaluated: 2017-12-21. Review status: criteria provided, single submitter. Criteria: GeneDx Variant Classification (06012015). Collection method: clinical testing. Allele origin: germline. Affected: yes.
Comment: This variant is considered likely benign or benign based on one or more of the following criteria: it is a conservative change, it occurs at a poorly conserved position in the protein, it is predicted to be benign by multiple in silico algorithms, and/or has population frequency not consistent with disease.

NM_020320.5(RARS2):c.772-4T>G

Gene: RARS2 (arginyl-tRNA synthetase 2, mitochondrial; minus strand). Cytogenetic location: 6q15.
Variant type: single nucleotide variant.
Coding change: c.772-4T>G on transcript NM_020320.5 (MANE Select); 4 bases into the intron before coding-DNA position 772, T replaced by G.
Molecular consequence: intron variant.
Genome position (GRCh38, 1-based): chr6:87,529,652, A>C on the plus strand (T>G on the coding strand, the complement: RARS2 is on the minus strand). VCF-style: chr6-87529652-A-C. GRCh37 (hg19) VCF-style: chr6-88239370-A-C.
Other names: c.772-4T>G (NM_001350505.2); c.247-4T>G (NM_001350509.2, NM_001318785.2, NM_001350506.2 and 4 more transcripts).
Identifiers: ClinVar variation 513814 (VCV000513814.1), dbSNP rs1413353465, ClinGen allele CA658796795.